The following is an entry in ClinVar:

ClinVar aggregate classification (germline): Uncertain significance (1 of 4 stars; one submission).

Conditions:
Hereditary nonpolyposis colorectal neoplasms. Identifiers: MedGen C0009405, MeSH D003123.

Submission:

Labcorp Genetics (formerly Invitae), Labcorp
Classification: Uncertain significance for Hereditary nonpolyposis colorectal neoplasms. Last evaluated: 2023-10-16. Review status: criteria provided, single submitter. Criteria: Invitae Variant Classification Sherloc (09022015). Collection method: clinical testing. Allele origin: germline.
Comment: This sequence change replaces serine, which is neutral and polar, with arginine, which is basic and polar, at codon 1188 of the MSH6 protein (p.Ser1188Arg). This variant is not present in population databases (gnomAD no frequency). This variant has not been reported in the literature in individuals affected with MSH6-related conditions. Advanced modeling of protein sequence and biophysical properties (such as structural, functional, and spatial information, amino acid conservation, physicochemical variation, residue mobility, and thermodynamic stability) performed at Invitae indicates that this missense variant is expected to disrupt MSH6 protein function. In summary, the available evidence is currently insufficient to determine the role of this variant in disease. Therefore, it has been classified as a Variant of Uncertain Significance.

NM_000179.3(MSH6):c.3564T>G (p.Ser1188Arg)

Gene: MSH6 (mutS homolog 6; plus strand). Cytogenetic location: 2p16.3.
Variant type: single nucleotide variant.
Coding change: c.3564T>G on transcript NM_000179.3 (MANE Select); coding-DNA position 3564, T replaced by G.
Protein change: p.Ser1188Arg; replaces serine 1188 with arginine.
Molecular consequence: missense variant. On other transcripts: non-coding transcript variant (5).
Genome position (GRCh38, 1-based): chr2:47,805,625, T>G. VCF-style: chr2-47805625-T-G. GRCh37 (hg19) VCF-style: chr2-48032764-T-G.
Other names: c.3267T>G, p.Ser1089Arg (NM_001406822.1, NM_001406824.1, NM_001406825.1 and 10 more transcripts); c.2658T>G, p.Ser886Arg (NM_001406823.1, NM_001406829.1, NM_001406811.1 and 6 more transcripts); c.3396T>G, p.Ser1132Arg (NM_001406826.1); c.345T>G, p.Ser115Arg (NM_001406831.1); c.411T>G, p.Ser137Arg (NM_001406832.1); c.1509T>G, p.Ser503Arg (NM_001407362.1); c.3039T>G, p.Ser1013Arg (NM_001406807.1, NM_001406799.1, NM_001406806.1); c.3564T>G, p.Ser1188Arg (NM_001406808.1, NM_001406809.1, NM_001406796.1 and 1 more transcripts); and 7 more; short protein forms S1220R, S900R, S1132R, S503R, S1058R, S1130R, S1162R, S1188R.
Identifiers: ClinVar variation 2986028 (VCV002986028.3), dbSNP rs1669957613, ClinGen allele CA346760444.
Genomic context (GRCh38, chr2:47,805,625, plus strand): 5'-ATGTAATATGATTTGCAAAATGAGTATTCATTTGTGATTTTTTTTTTTTTAAGGTGAAAG[T>G]ACATTTTTTGTTGAATTAAGTGAAACTGCCAGCATACTCATGCATGCAACAGCACATTCT-3'
Protein context (NP_000170.1, residues 1178-1198): GASDRIMSGE[Ser1188Arg]TFFVELSETA